The following is an entry in ClinVar:

NM_007294.4(BRCA1):c.2325_2326insAA (p.Asp776fs)

Gene: BRCA1 (BRCA1 DNA repair associated; minus strand). Cytogenetic location: 17q21.31.
Variant type: Insertion.
Coding change: c.2325_2326insAA on transcript NM_007294.4 (MANE Select); coding-DNA positions 2325 to 2326, AA inserted.
Protein change: p.Asp776fs; shifts the reading frame from aspartic acid 776.
Molecular consequence: frameshift variant. On other transcripts: intron variant (137).
Genome position: GRCh38 VCF-style: chr17-43093205-C-CTT. GRCh37 (hg19) VCF-style: chr17-41245222-C-CTT.
Other names: c.2325_2326insAA, p.Asp776fs (NM_001407619.1, NM_001407620.1, NM_001407621.1 and 30 more transcripts); c.2061_2062insAA, p.Asp688fs (NM_001407921.1, NM_001407922.1, NM_001407923.1 and 9 more transcripts); c.2058_2059insAA, p.Asp687fs (NM_001407931.1, NM_001407932.1, NM_001407934.1 and 2 more transcripts); c.2322_2323insAA, p.Asp775fs (NM_001407627.1, NM_001407628.1, NM_001407629.1 and 22 more transcripts); c.2316_2317insAA, p.Asp773fs (NM_001407646.1, NM_001407647.1); c.2202_2203insAA, p.Asp735fs (NM_001407648.1, NM_001407939.1, NM_001407664.1 and 19 more transcripts); c.2199_2200insAA, p.Asp734fs (NM_001407649.1, NM_001407940.1, NM_001407941.1 and 11 more transcripts); c.2247_2248insAA, p.Asp750fs (NM_001407653.1, NM_001407654.1, NM_001407655.1 and 4 more transcripts); and 41 more; short protein forms D664fs, D728fs, D776fs, D648fs, D687fs, D706fs, D708fs, D735fs.
Identifiers: ClinVar variation 4215091 (VCV004215091.1).

ClinVar aggregate classification (germline): Pathogenic (1 of 4 stars; one submission).

Conditions:
Hereditary cancer-predisposing syndrome. Also called: Neoplastic Syndromes, Hereditary; Tumor predisposition; Hereditary Cancer Syndrome; Hereditary neoplastic syndrome. Identifiers: Orphanet 140162, MedGen C0027672, MeSH D009386, MONDO:0015356.

Submission:

Ambry Genetics
Classification: Pathogenic for Hereditary cancer-predisposing syndrome. Last evaluated: 2025-07-22. Review status: criteria provided, single submitter. Criteria: Ambry Variant Classification Scheme 2023. Collection method: clinical testing. Allele origin: germline.
Comment: The c.2325_2326insAA pathogenic mutation, located in coding exon 9 of the BRCA1 gene, results from an insertion of two nucleotides at position 2325, causing a translational frameshift with a predicted alternate stop codon (p.D776Kfs*17). This variant is considered to be rare based on population cohorts in the Genome Aggregation Database (gnomAD). This alteration is expected to result in loss of function by premature protein truncation or nonsense-mediated mRNA decay. As such, this alteration is interpreted as a disease-causing mutation.